The following is an entry in ClinVar:

NM_052867.4(NALCN):c.3732G>C (p.Met1244Ile)

Gene: NALCN (sodium leak channel, non-selective; minus strand). Cytogenetic location: 13q32.3.
Variant type: single nucleotide variant.
Coding change: c.3732G>C on transcript NM_052867.4 (MANE Select); coding-DNA position 3732, G replaced by C.
Protein change: p.Met1244Ile; replaces methionine 1244 with isoleucine.
Molecular consequence: missense variant.
Genome position (GRCh38, 1-based): chr13:101,082,842, C>G on the plus strand (G>C on the coding strand, the complement: NALCN is on the minus strand). VCF-style: chr13-101082842-C-G. GRCh37 (hg19) VCF-style: chr13-101735193-C-G.
Other names: c.3819G>C, p.Met1273Ile (NM_001350748.2); c.3732G>C, p.Met1244Ile (NM_001350749.2); c.3645G>C, p.Met1215Ile (NM_001350750.2, NM_001350751.2); short protein forms M1215I, M1244I, M1273I.
Identifiers: ClinVar variation 2662099 (VCV002662099.1), dbSNP rs2501987204, ClinGen allele CA388651067.
Genomic context (GRCh38, chr13:101,082,842, plus strand): 5'-CCAGAGCTAGCTGACTCATTACAGTACCTCCAGAACAAAGATGAAGGTGAAAACAACTGA[C>G]ATTGTTGCCAAAGGTACGGTCACCGGGTCCTCGACGTCCCACTGCAACAGAAACAGCACA-3'
Protein context (NP_443099.1, residues 1234-1254): EDPVTVPLAT[Met1244Ile]SVVFTFIFVL

ClinVar aggregate classification (germline): Uncertain significance (1 of 4 stars; one submission).

Allele frequency attached by ClinVar (database versions not stated): gnomAD exomes below 0.00001.

Submission:

GeneDx
Classification: Uncertain significance. Last evaluated: 2023-04-08. Review status: criteria provided, single submitter. Criteria: GeneDx Variant Classification Process June 2021. Collection method: clinical testing. Allele origin: germline. Affected: yes.
Comment: Not observed at significant frequency in large population cohorts (gnomAD); In silico analysis supports that this missense variant does not alter protein structure/function; Has not been previously published as pathogenic or benign to our knowledge